The following is an entry in ClinVar:

ClinVar aggregate classification (germline): Uncertain significance (1 of 4 stars; one submission).

Conditions:
Supravalvar aortic stenosis (SVAS). Also called: Supravalvar aortic stenosis, Eisenberg type. Identifiers: Orphanet 3193, MedGen C0003499, MONDO:0008504, OMIM 185500, HP:0004381.

Submission:

Labcorp Genetics (formerly Invitae), Labcorp
Classification: Uncertain significance for Supravalvar aortic stenosis. Last evaluated: 2025-08-06. Review status: criteria provided, single submitter. Criteria: Invitae Variant Classification Sherloc (09022015). Collection method: clinical testing. Allele origin: germline.
Comment: This sequence change replaces glycine, which is neutral and non-polar, with arginine, which is basic and polar, at codon 279 of the ELN protein (p.Gly279Arg). This variant is not present in population databases (gnomAD no frequency). This variant has not been reported in the literature in individuals affected with ELN-related conditions. Invitae Evidence Modeling of protein sequence and biophysical properties (such as structural, functional, and spatial information, amino acid conservation, physicochemical variation, residue mobility, and thermodynamic stability) indicates that this missense variant is not expected to disrupt ELN protein function with a negative predictive value of 80%. In summary, the available evidence is currently insufficient to determine the role of this variant in disease. Therefore, it has been classified as a Variant of Uncertain Significance.

NM_000501.4(ELN):c.835G>A (p.Gly279Arg)

Gene: ELN (elastin; plus strand). Cytogenetic location: 7q11.23.
Variant type: single nucleotide variant.
Coding change: c.835G>A on transcript NM_000501.4 (MANE Select); coding-DNA position 835, G replaced by A.
Protein change: p.Gly279Arg; replaces glycine 279 with arginine.
Molecular consequence: missense variant.
Genome position (GRCh38, 1-based): chr7:74,051,785, G>A. VCF-style: chr7-74051785-G-A. GRCh37 (hg19) VCF-style: chr7-73466115-G-A.
Other names: c.805G>A, p.Gly269Arg (NM_001081752.3, NM_001278917.2); c.850G>A, p.Gly284Arg (NM_001081753.3, NM_001081754.3); c.835G>A, p.Gly279Arg (NM_001081755.3, NM_001278912.2, NM_001278915.2 and 1 more transcripts); c.727G>A, p.Gly243Arg (NM_001278913.2); c.820G>A, p.Gly274Arg (NM_001278914.2); c.793G>A, p.Gly265Arg (NM_001278916.2); c.703G>A, p.Gly235Arg (NM_001278918.2); short protein forms G235R, G265R, G269R, G279R, G284R, G243R, G274R.
Identifiers: ClinVar variation 4732376 (VCV004732376.1).